The following is an entry in ClinVar:

ClinVar aggregate classification (germline): Uncertain significance. Review status: criteria provided, multiple submitters, no conflicts (2 of 4 stars). 3 submissions from 3 submitters: Uncertain significance (2). 1 of the submissions does not count toward it. Last evaluated 2022-10-27.

Conditions:
Hereditary cancer-predisposing syndrome. Also called: Hereditary Cancer Syndrome; Hereditary neoplastic syndrome; Tumor predisposition; Neoplastic Syndromes, Hereditary. Identifiers: Orphanet 140162, MedGen C0027672, MeSH D009386, MONDO:0015356.
Bloom syndrome (BLM). Also called: Bloom-Torre-Machacek syndrome. Identifiers: Orphanet 125, MedGen C0005859, MONDO:0008876, OMIM 210900.

Submissions (3):

Ambry Genetics
Classification: Uncertain significance for Hereditary cancer-predisposing syndrome. Last evaluated: 2022-10-27. Review status: criteria provided, single submitter. Criteria: Ambry Variant Classification Scheme 2023. Collection method: clinical testing. Allele origin: germline.
Comment: The c.98+3_98+6delAAGT intronic variant, located in intron 1 of the BLM gene, results from a deletion of 4 nucleotides (AAGT) at positions c.98+3 to c.98+6 in intron 1 of the BLM gene. This nucleotide region is highly conserved in available vertebrate species. In silico splice site analysis predicts that this alteration will weaken the native splice donor site. Another alteration at the same donor site (c.98+1G>T) with the same predicted splicing impact has been reported in a compound heterozygous state with the Ashkenazi founder mutation (c.2207_2212delinsTAGATTC) in a child with Bloom syndrome (German J et al. Hum. Mutat. 2007 Aug;28(8):743-53). Since supporting evidence is limited at this time, the clinical significance of this alteration remains unclear.

Labcorp Genetics (formerly Invitae), Labcorp
Classification: Uncertain significance for Bloom syndrome. Last evaluated: 2019-10-24. Review status: criteria provided, single submitter. Criteria: Invitae Variant Classification Sherloc (09022015). Collection method: clinical testing. Allele origin: germline.
Comment: In summary, the available evidence is currently insufficient to determine the role of this variant in disease. Therefore, it has been classified as a Variant of Uncertain Significance. Nucleotide substitutions within the consensus splice site are a relatively common cause of aberrant splicing (PMID: 17576681, 9536098). Algorithms developed to predict the effect of sequence changes on RNA splicing suggest that this variant may disrupt the consensus splice site, but this prediction has not been confirmed by published transcriptional studies. This variant has not been reported in the literature in individuals with BLM-related conditions. ClinVar contains an entry for this variant (Variation ID: 550724). This variant is not present in population databases (ExAC no frequency). This sequence change falls in intron 2 of the BLM gene. It does not directly change the encoded amino acid sequence of the BLM protein, but it affects a nucleotide within the consensus splice site of the intron.

Counsyl
Classification: Uncertain significance for Bloom syndrome. Last evaluated: 2017-02-09. Review status: no assertion criteria provided. Collection method: clinical testing. Allele origin: unknown. Not counted in ClinVar's aggregate classification.

Literature cited by the submitters: PubMed 33563768 (cited by Ambry Genetics); PubMed 17576681 (cited by Labcorp Genetics (formerly Invitae), Labcorp); PubMed 9536098 (cited by Labcorp Genetics (formerly Invitae), Labcorp).

NM_000057.4(BLM):c.98+3_98+6del

Gene: BLM (BLM RecQ like helicase; plus strand). Cytogenetic location: 15q26.1.
Variant type: Deletion.
Coding change: c.98+3_98+6del on transcript NM_000057.4 (MANE Select); bases 3 to 6 of the intron after coding-DNA position 98, 4 bases deleted (AAGT; older notation c.98+3_98+6delAAGT).
Molecular consequence: splice donor variant.
Genome position (GRCh38, 1-based): chr15:90,747,493-90,747,496, AAGT deleted; deleting any 4 consecutive bases within chr15:90,747,491-90,747,496 gives the same sequence; the c. name uses the placement nearest the transcript's 3' end. VCF-style (leftmost placement, unchanged base first): chr15-90747490-CGTAA-C. GRCh37 (hg19) VCF-style: chr15-91290720-CGTAA-C.
Other names: c.98+3_98+6del (NM_001287246.2, NM_001287247.2); c.-1194+3_-1194+6del (NM_001287248.2); c.98+3_98+6delAAGT (NM_000057.3).
Identifiers: ClinVar variation 550724 (VCV000550724.12), dbSNP rs1555418015, ClinGen allele CA658824599.
Genomic context (GRCh38, chr15:90,747,490, plus strand): 5'-TAGAACGTCACTCAGCCAGAACACTTAATAATAAATTAAGTCTTTCAAAACCAAAATTTT[CGTAA>C]GTGTTTTGACTGGTTTGCTGTCACATAGGCACTAACTTACCACATTGTACACATGAGATA-3'